The following continues an entry in ClinVar:

NM_000256.3(MYBPC3):c.1373G>A (p.Arg458His)

Gene: MYBPC3. ClinVar aggregate classification (germline): Uncertain significance. Uncertain significance (11).

Submissions 11 to 13 of 13:

CHEO Genetics Diagnostic Laboratory, Children's Hospital of Eastern Ontario
Classification: Uncertain significance for Cardiomyopathy. Last evaluated: 2016-10-19. Review status: criteria provided, single submitter. Criteria: ACMG Guidelines, 2015. Collection method: clinical testing. Allele origin: germline. Study: Canadian Open Genetics Repository.

CSER _CC_NCGL, University of Washington
Classification: Uncertain significance for Cardiomyopathy, hypertrophic. Last evaluated: 2014-06-01. Review status: no assertion criteria provided. Collection method: research. Allele origin: germline. Inheritance: Autosomal dominant inheritance. Study: ESP 6500 variant annotation. Not counted in ClinVar's aggregate classification.
Comment: Variants classified for the Actionable exomic incidental findings in 6503 participants: challenges of variant classification manuscript

Department of Pathology and Laboratory Medicine, Sinai Health System
Classification: Uncertain significance. Review status: no assertion criteria provided. Collection method: clinical testing. Allele origin: unknown. Affected: yes. Study: The Canadian Open Genetics Repository (COGR). Not counted in ClinVar's aggregate classification.
Comment: The MYBPC3 p.Arg458His variant was identified in the literature in two individuals with hypertrophic cardiomyopathy and one family with dilated cardiomyopathy; the variant was not identified in 200 control individuals (Driest_2004_PMID:15519027, Roncarati_2011_PMID:21302287, Merlo_2013_PMID:2411908). The variant was identified in dbSNP (ID: rs374255707) and ClinVar (classified as uncertain significance by CHEO Genetics Diagnostic Laboratory Children's Hospital of Eastern Ontario, Laboratory for Molecular Medicine and CSER _CC_NCGL, University of Washington). The variant was identified in control databases in 13 of 276446 chromosomes at a frequency of 0.00004703 (Genome Aggregation Database March 6, 2019, v2.1.1). The variant was observed in the following populations: East Asian in 2 of 19418 chromosomes (freq: 0.000103), European (non-Finnish) in 8 of 126152 chromosomes (freq: 0.000063), Latino in 2 of 34956 chromosomes (freq: 0.000057) and South Asian in 1 of 30096 chromosomes (freq: 0.000033), but was not observed in the African, Ashkenazi Jewish, European (Finnish), or Other populations. The p.Arg458 residue is conserved in mammals but not in more distantly related organisms however computational analyses (PolyPhen-2, SIFT, AlignGVGD, BLOSUM, MutationTaster) do not suggest a high likelihood of impact to the protein; this information is not predictive enough to rule out pathogenicity. The variant occurs outside of the splicing consensus sequence and in silico or computational prediction software programs (SpliceSiteFinder, MaxEntScan, NNSPLICE, GeneSplicer) do not predict a difference in splicing. In summary, based on the above information the clinical significance of this variant cannot be determined with certainty at this time. This variant is classified as a variant of uncertain significance.

Literature cited by the submitters: PubMed 15519027 (cited by 5 submitters); PubMed 21302287 (cited by 4 submitters); PubMed 24119082 (cited by 4 submitters); PubMed 27532257 (cited by 4 submitters); PubMed 23299917 (cited by Ambry Genetics); PubMed 24055113 (cited by Ambry Genetics); PubMed 24503780 (cited by Ambry Genetics); PubMed 25637381 (cited by Ambry Genetics); PubMed 28679633 (cited by Ambry Genetics); PubMed 30847666 (cited by Ambry Genetics); PubMed 32481709 (cited by Ambry Genetics).